The following is an entry in ClinVar:

NM_001023570.4(IQCB1):c.1181T>G (p.Ile394Ser)

Gene: IQCB1 (IQ motif containing B1; minus strand). Cytogenetic location: 3q13.33.
Variant type: single nucleotide variant.
Coding change: c.1181T>G on transcript NM_001023570.4 (MANE Select); coding-DNA position 1181, T replaced by G.
Protein change: p.Ile394Ser; replaces isoleucine 394 with serine.
Molecular consequence: missense variant. On other transcripts: non-coding transcript variant (1).
Genome position (GRCh38, 1-based): chr3:121,788,381, A>C on the plus strand (T>G on the coding strand, the complement: IQCB1 is on the minus strand). VCF-style: chr3-121788381-A-C. GRCh37 (hg19) VCF-style: chr3-121507228-A-C.
Other names: c.782T>G, p.Ile261Ser (NM_001023571.4); c.1181T>G, p.Ile394Ser (NM_001319107.2); short protein forms I261S, I394S.
Identifiers: ClinVar variation 1419032 (VCV001419032.6), dbSNP rs2108543749, ClinGen allele CA354115721.

ClinVar aggregate classification (germline): Uncertain significance (1 of 4 stars; one submission).

Conditions:
Nephronophthisis. Also called: Juvenile Nephronophthisis. Identifiers: Orphanet 655, MedGen C0687120, MONDO:0019005, HP:0000090.

Allele frequency attached by ClinVar (database versions not stated): gnomAD exomes below 0.00001.
gnomAD v4.1: 1 of 1,613,824 alleles (0.000062%); highest among the groups gnomAD compares: Middle Eastern, 0.017%; no homozygotes.

Submission:

Labcorp Genetics (formerly Invitae), Labcorp
Classification: Uncertain significance for Nephronophthisis. Last evaluated: 2022-08-15. Review status: criteria provided, single submitter. Criteria: Invitae Variant Classification Sherloc (09022015). Collection method: clinical testing. Allele origin: germline.
Comment: Algorithms developed to predict the effect of missense changes on protein structure and function are either unavailable or do not agree on the potential impact of this missense change (SIFT: "Deleterious"; PolyPhen-2: "Probably Damaging"; Align-GVGD: "Class C0"). This sequence change replaces isoleucine, which is neutral and non-polar, with serine, which is neutral and polar, at codon 394 of the IQCB1 protein (p.Ile394Ser). This variant is not present in population databases (gnomAD no frequency). This variant has not been reported in the literature in individuals affected with IQCB1-related conditions. ClinVar contains an entry for this variant (Variation ID: 1419032). In summary, the available evidence is currently insufficient to determine the role of this variant in disease. Therefore, it has been classified as a Variant of Uncertain Significance.